The following is an entry in ClinVar:

NM_001165967.2(HES7):c.583C>G (p.Pro195Ala)

Genes: HES7 (hes family bHLH transcription factor 7; minus strand), LOC130060203 (ATAC-STARR-seq lymphoblastoid silent region 8155; plus strand). Cytogenetic location: 17p13.1.
Variant type: single nucleotide variant.
Coding change: c.583C>G on transcript NM_001165967.2 (MANE Select); coding-DNA position 583, C replaced by G.
Protein change: p.Pro195Ala; replaces proline 195 with alanine.
Molecular consequence: missense variant.
Genome position (GRCh38, 1-based): chr17:8,121,681, G>C on the plus strand (C>G on the coding strand, the complement: HES7 is on the minus strand). VCF-style: chr17-8121681-G-C. GRCh37 (hg19) VCF-style: chr17-8024999-G-C.
Other names: c.568C>G, p.Pro190Ala (NM_032580.4); short protein forms P195A, P190A.
Identifiers: ClinVar variation 2092496 (VCV002092496.4), dbSNP rs1010298012, ClinGen allele CA287537043.
Genomic context (GRCh38, chr17:8,121,681, plus strand): 5'-GCGCCCCGTCTTGTCTGTGAGGCGGCGGTGGCGGCGGCAGCAGTCCGGTGAGGGGCGCCG[G>C]CGCGCCAGAATCCCCGGCGCGCGGGGAGCAGAGGGATGGGGACCATGCGCAGCGCGGGCT-3'
Protein context (NP_001159439.1, residues 185-205): CSPRAGDSGA[Pro195Ala]APLTGLLPPP

ClinVar aggregate classification (germline): Uncertain significance (1 of 4 stars; one submission).

Allele frequency attached by ClinVar (database versions not stated): TOPMed 0.00001.

Submission:

Labcorp Genetics (formerly Invitae), Labcorp
Classification: Uncertain significance. Last evaluated: 2022-02-25. Review status: criteria provided, single submitter. Criteria: Invitae Variant Classification Sherloc (09022015). Collection method: clinical testing. Allele origin: germline.
Comment: In summary, the available evidence is currently insufficient to determine the role of this variant in disease. Therefore, it has been classified as a Variant of Uncertain Significance. Algorithms developed to predict the effect of missense changes on protein structure and function (SIFT, PolyPhen-2, Align-GVGD) all suggest that this variant is likely to be tolerated. This variant has not been reported in the literature in individuals affected with HES7-related conditions. This variant is not present in population databases (gnomAD no frequency). This sequence change replaces proline, which is neutral and non-polar, with alanine, which is neutral and non-polar, at codon 190 of the HES7 protein (p.Pro190Ala).